The following is an entry in ClinVar:

ClinVar aggregate classification (germline): Uncertain significance. Review status: criteria provided, multiple submitters, no conflicts (2 of 4 stars). 4 submissions from 4 submitters: Uncertain significance (4). Last evaluated 2025-09-20.

Conditions:
LZTR1-related schwannomatosis. Also called: Schwannomatosis-2, susceptibility to; Schwannomatosis 2. Identifiers: Orphanet 93921, MedGen C3810283, MONDO:0014299, OMIM 615670.
Cardiovascular phenotype. Identifiers: MedGen CN230736.
Hereditary cancer-predisposing syndrome. Also called: Hereditary neoplastic syndrome; Tumor predisposition; Neoplastic Syndromes, Hereditary; Hereditary Cancer Syndrome. Identifiers: Orphanet 140162, MedGen C0027672, MeSH D009386, MONDO:0015356.

Allele frequency attached by ClinVar (database versions not stated): gnomAD exomes below 0.00001.
gnomAD v4.1: 6 of 1,612,172 alleles (0.00037%); highest among the groups gnomAD compares: South Asian, 0.0011%; no homozygotes.

Submissions (4):

Ambry Genetics
Classification: Uncertain significance for Cardiovascular phenotype; Hereditary cancer-predisposing syndrome. Last evaluated: 2025-09-20. Review status: criteria provided, single submitter. Criteria: Ambry Variant Classification Scheme 2023. Collection method: clinical testing. Allele origin: germline.
Comment: The p.R588W variant (also known as c.1762C>T), located in coding exon 15 of the LZTR1 gene, results from a C to T substitution at nucleotide position 1762. The arginine at codon 588 is replaced by tryptophan, an amino acid with dissimilar properties. This amino acid position is not well conserved in available vertebrate species. In addition, this alteration is predicted to be tolerated by in silico analysis. Since supporting evidence is limited at this time, the clinical significance of this alteration remains unclear.

Genomic Medicine Center of Excellence, King Faisal Specialist Hospital and Research Centre
Classification: Uncertain significance for LZTR1-related schwannomatosis. Last evaluated: 2025-09-10. Review status: criteria provided, single submitter. Criteria: ACMG Guidelines, 2015. Collection method: clinical testing. Allele origin: germline.

Labcorp Genetics (formerly Invitae), Labcorp
Classification: Uncertain significance. Last evaluated: 2025-02-02. Review status: criteria provided, single submitter. Criteria: Invitae Variant Classification Sherloc (09022015). Collection method: clinical testing. Allele origin: germline.
Comment: This sequence change replaces arginine, which is basic and polar, with tryptophan, which is neutral and slightly polar, at codon 588 of the LZTR1 protein (p.Arg588Trp). This variant is present in population databases (no rsID available, gnomAD 0.003%). This variant has not been reported in the literature in individuals affected with LZTR1-related conditions. ClinVar contains an entry for this variant (Variation ID: 1934036). Invitae Evidence Modeling of protein sequence and biophysical properties (such as structural, functional, and spatial information, amino acid conservation, physicochemical variation, residue mobility, and thermodynamic stability) indicates that this missense variant is not expected to disrupt LZTR1 protein function with a negative predictive value of 80%. In summary, the available evidence is currently insufficient to determine the role of this variant in disease. Therefore, it has been classified as a Variant of Uncertain Significance.

CeGaT Center for Human Genetics Tuebingen
Classification: Uncertain significance. Last evaluated: 2022-12-01. Review status: criteria provided, single submitter. Criteria: CeGaT Center For Human Genetics Tuebingen Variant Classification Criteria Version 2. Collection method: clinical testing. Allele origin: germline. Affected: yes. Observed: 1 variant allele.

NM_006767.4(LZTR1):c.1762C>T (p.Arg588Trp)

Gene: LZTR1 (leucine zipper like post translational regulator 1; plus strand). Cytogenetic location: 22q11.21.
Variant type: single nucleotide variant.
Coding change: c.1762C>T on transcript NM_006767.4 (MANE Select); coding-DNA position 1762, C replaced by T.
Protein change: p.Arg588Trp; replaces arginine 588 with tryptophan.
Molecular consequence: missense variant.
Genome position (GRCh38, 1-based): chr22:20,994,704, C>T. VCF-style: chr22-20994704-C-T. GRCh37 (hg19) VCF-style: chr22-21348993-C-T.
Other names: c.1762C>T (NM_006767.3); short protein forms R588W.
Identifiers: ClinVar variation 1934036 (VCV001934036.30), dbSNP rs1267284608, ClinGen allele CA410778258.